The following is an entry in ClinVar:

ClinVar aggregate classification (germline): Likely benign. Review status: criteria provided, multiple submitters, no conflicts (2 of 4 stars). 3 submissions from 3 submitters: Likely benign (2). 1 of the submissions does not count toward it. Last evaluated 2026-01-26.

Conditions:
ERBIN-related disorder. Also called: ERBIN-related condition.

Allele frequency attached by ClinVar (database versions not stated): gnomAD exomes 0.00010 and 0.00029; ExAC 0.00045; gnomAD 0.00119 and 0.00124; TOPMed 0.00126; ESP Exome Variant Server 0.00177; 1000 Genomes Project 30x 0.00219; 1000 Genomes Project 0.00220.
gnomAD v4.1: 320 of 1,608,864 alleles (0.02%); highest among the groups gnomAD compares: African/African-American, 0.41%; no homozygotes.

Submissions (3):

Labcorp Genetics (formerly Invitae), Labcorp
Classification: Likely benign. Last evaluated: 2026-01-26. Review status: criteria provided, single submitter. Criteria: Invitae Variant Classification Sherloc (09022015). Collection method: clinical testing. Allele origin: germline.

Breakthrough Genomics
Classification: Likely benign. Review status: criteria provided, single submitter. Criteria: ACMG Guidelines, 2015. Collection method: not provided. Allele origin: germline. Inheritance: Unknown mechanism. Affected: yes.

PreventionGenetics, part of Exact Sciences
Classification: Likely benign for ERBIN-related condition. Last evaluated: 2023-11-20. Review status: no assertion criteria provided. Collection method: clinical testing. Allele origin: germline. Not counted in ClinVar's aggregate classification.
Comment: This variant is classified as likely benign based on ACMG/AMP sequence variant interpretation guidelines (Richards et al. 2015 PMID: 25741868, with internal and published modifications).

NM_001253697.2(ERBIN):c.262A>G (p.Ile88Val)

Gene: ERBIN (erbb2 interacting protein; plus strand). Cytogenetic location: 5q12.3.
Variant type: single nucleotide variant.
Coding change: c.262A>G on transcript NM_001253697.2 (MANE Select); coding-DNA position 262, A replaced by G.
Protein change: p.Ile88Val; replaces isoleucine 88 with valine.
Molecular consequence: missense variant.
Genome position (GRCh38, 1-based): chr5:65,994,819, A>G. VCF-style: chr5-65994819-A-G. GRCh37 (hg19) VCF-style: chr5-65290647-A-G.
Other names: c.262A>G, p.Ile88Val (NM_001006600.3, NM_001253698.2, NM_001253699.2 and 2 more transcripts); c.262A>G (NM_001006600.2); short protein forms I88V.
Identifiers: ClinVar variation 1160746 (VCV001160746.12), dbSNP rs34832453, ClinGen allele CA3285856.